The following is an entry in ClinVar:

ClinVar aggregate classification (germline): Likely benign (1 of 4 stars; one submission).

Conditions:
MC3R-related disorder. Also called: MC3R-related condition.

Submission:

PreventionGenetics, part of Exact Sciences
Classification: Likely benign for MC3R-related condition. Last evaluated: 2025-10-20. Review status: criteria provided, single submitter. Criteria: ACMG Guidelines, 2015. Collection method: clinical testing. Allele origin: germline.
Comment: This variant is classified as likely benign based on ACMG/AMP sequence variant interpretation guidelines (Richards et al. 2015 PMID: 25741868, with internal and published modifications).

NM_019888.3(MC3R):c.414C>T (p.Ile138=)

Gene: MC3R (melanocortin 3 receptor; plus strand). Cytogenetic location: 20q13.2.
Variant type: single nucleotide variant.
Coding change: c.414C>T on transcript NM_019888.3 (MANE Select); coding-DNA position 414, C replaced by T.
Protein change: p.Ile138=; no amino-acid change (isoleucine 138 retained).
Molecular consequence: synonymous variant.
Genome position (GRCh38, 1-based): chr20:56,249,257, C>T. VCF-style: chr20-56249257-C-T. GRCh37 (hg19) VCF-style: chr20-54824313-C-T.
Identifiers: ClinVar variation 4980214 (VCV004980214.1).